The following is an entry in ClinVar:

NM_139076.3(ABRAXAS1):c.920C>G (p.Ser307Cys)

Gene: ABRAXAS1 (abraxas 1, BRCA1 A complex subunit; minus strand). Cytogenetic location: 4q21.23.
Variant type: single nucleotide variant.
Coding change: c.920C>G on transcript NM_139076.3 (MANE Select); coding-DNA position 920, C replaced by G.
Protein change: p.Ser307Cys; replaces serine 307 with cysteine.
Molecular consequence: missense variant.
Genome position (GRCh38, 1-based): chr4:83,462,779, G>C on the plus strand (C>G on the coding strand, the complement: ABRAXAS1 is on the minus strand). VCF-style: chr4-83462779-G-C. GRCh37 (hg19) VCF-style: chr4-84383932-G-C.
Other names: c.593C>G, p.Ser198Cys (NM_001345962.2); short protein forms S198C, S307C.
Identifiers: ClinVar variation 1799976 (VCV001799976.6), dbSNP rs760360071, ClinGen allele CA2990409.

ClinVar aggregate classification (germline): Uncertain significance. Review status: criteria provided, multiple submitters, no conflicts (2 of 4 stars). 2 submissions from 2 submitters: Uncertain significance (2). Last evaluated 2025-01-10.

Allele frequency attached by ClinVar (database versions not stated): TOPMed below 0.00001; gnomAD 0.00001; ExAC 0.00009.
gnomAD v4.1: 39 of 1,613,796 alleles (0.0024%); highest among the groups gnomAD compares: South Asian, 0.037%; no homozygotes.

Submissions (2):

Ambry Genetics
Classification: Uncertain significance. Last evaluated: 2025-01-10. Review status: criteria provided, single submitter. Criteria: Ambry Variant Classification Scheme 2023. Collection method: clinical testing. Allele origin: germline.
Comment: The p.S307C variant (also known as c.920C>G), located in coding exon 9 of the FAM175A gene, results from a C to G substitution at nucleotide position 920. The serine at codon 307 is replaced by cysteine, an amino acid with dissimilar properties. This amino acid position is conserved. In addition, this alteration is predicted to be tolerated by in silico analysis. Since supporting evidence is limited at this time, the clinical significance of this alteration remains unclear.

Labcorp Genetics (formerly Invitae), Labcorp
Classification: Uncertain significance. Last evaluated: 2023-03-22. Review status: criteria provided, single submitter. Criteria: Invitae Variant Classification Sherloc (09022015). Collection method: clinical testing. Allele origin: germline.
Comment: This sequence change replaces serine, which is neutral and polar, with cysteine, which is neutral and slightly polar, at codon 307 of the ABRAXAS1 protein (p.Ser307Cys). This variant is present in population databases (rs760360071, gnomAD 0.04%), and has an allele count higher than expected for a pathogenic variant. This variant has not been reported in the literature in individuals affected with ABRAXAS1-related conditions. ClinVar contains an entry for this variant (Variation ID: 1799976). Advanced modeling of protein sequence and biophysical properties (such as structural, functional, and spatial information, amino acid conservation, physicochemical variation, residue mobility, and thermodynamic stability) performed at Invitae indicates that this missense variant is not expected to disrupt ABRAXAS1 protein function. In summary, the available evidence is currently insufficient to determine the role of this variant in disease. Therefore, it has been classified as a Variant of Uncertain Significance.